The following is an entry in ClinVar:

NM_022124.6(CDH23):c.6323T>C (p.Ile2108Thr)

Gene: CDH23 (cadherin related 23; plus strand). Cytogenetic location: 10q22.1.
Variant type: single nucleotide variant.
Coding change: c.6323T>C on transcript NM_022124.6 (MANE Select); coding-DNA position 6323, T replaced by C.
Protein change: p.Ile2108Thr; replaces isoleucine 2108 with threonine.
Molecular consequence: missense variant.
Genome position (GRCh38, 1-based): chr10:71,793,251, T>C. VCF-style: chr10-71793251-T-C. GRCh37 (hg19) VCF-style: chr10-73553008-T-C.
Other names: short protein forms I2108T.
Identifiers: ClinVar variation 1415187 (VCV001415187.4), dbSNP rs1198525214, ClinGen allele CA377154298.

ClinVar aggregate classification (germline): Uncertain significance. Review status: criteria provided, multiple submitters, no conflicts (2 of 4 stars). 2 submissions from 2 submitters: Uncertain significance (2). Last evaluated 2022-06-05.

Conditions:
Usher syndrome type 1D (USH1D). Also called: USHER SYNDROME, TYPE ID. Identifiers: Orphanet 231169, Orphanet 886, MedGen C1832845, MONDO:0010984, OMIM 601067.
Autosomal recessive nonsyndromic hearing loss 12. Also called: DEAFNESS, AUTOSOMAL RECESSIVE 12. Identifiers: Orphanet 90636, MedGen C1832394, MONDO:0011067, OMIM 601386.
Pituitary adenoma 5, multiple types. Identifiers: MedGen C4539685, MONDO:0054601, OMIM 617540.

Allele frequency attached by ClinVar (database versions not stated): TOPMed below 0.00001; gnomAD 0.00001; gnomAD exomes 0.00001.
gnomAD v4.1: 7 of 1,613,792 alleles (0.00043%); highest among the groups gnomAD compares: South Asian, 0.0011%; no homozygotes.

Submissions (2):

Labcorp Genetics (formerly Invitae), Labcorp
Classification: Uncertain significance. Last evaluated: 2022-06-05. Review status: criteria provided, single submitter. Criteria: Invitae Variant Classification Sherloc (09022015). Collection method: clinical testing. Allele origin: germline.
Comment: This sequence change replaces isoleucine, which is neutral and non-polar, with threonine, which is neutral and polar, at codon 2108 of the CDH23 protein (p.Ile2108Thr). This variant is present in population databases (no rsID available, gnomAD 0.01%). This variant has not been reported in the literature in individuals affected with CDH23-related conditions. ClinVar contains an entry for this variant (Variation ID: 1415187). Algorithms developed to predict the effect of missense changes on protein structure and function are either unavailable or do not agree on the potential impact of this missense change (SIFT: "Deleterious"; PolyPhen-2: "Not Available"; Align-GVGD: "Class C65"). In summary, the available evidence is currently insufficient to determine the role of this variant in disease. Therefore, it has been classified as a Variant of Uncertain Significance.

Fulgent Genetics
Classification: Uncertain significance for Usher syndrome type 1D; Autosomal recessive nonsyndromic hearing loss 12; Pituitary adenoma 5, multiple types. Last evaluated: 2021-07-28. Review status: criteria provided, single submitter. Criteria: ACMG Guidelines, 2015. Collection method: clinical testing. Allele origin: unknown.